The following is an entry in ClinVar:

ClinVar aggregate classification (germline): Likely benign. Review status: criteria provided, multiple submitters, no conflicts (2 of 4 stars). 4 submissions from 4 submitters: Likely benign (4). Last evaluated 2026-01-05.

Conditions:
LRP2-related disorder. Also called: LRP2-related condition.
Donnai-Barrow syndrome. Also called: DBS/FOAR SYNDROME; FACIOOCULOACOUSTICORENAL SYNDROME. Identifiers: Orphanet 2143, MedGen C1857277, MONDO:0009104, OMIM 222448.

Allele frequency attached by ClinVar (database versions not stated): TOPMed 0.00028; ESP Exome Variant Server 0.00046; gnomAD 0.00069 and 0.00073; gnomAD exomes 0.00071 and 0.00123; ExAC 0.00166.
gnomAD v4.1: 1,158 of 1,613,622 alleles (0.072%); highest among the groups gnomAD compares: Non-Finnish European, 0.067%; 1 homozygote.

Submissions (4):

Labcorp Genetics (formerly Invitae), Labcorp
Classification: Likely benign. Last evaluated: 2026-01-05. Review status: criteria provided, single submitter. Criteria: Invitae Variant Classification Sherloc (09022015). Collection method: clinical testing. Allele origin: germline.

PreventionGenetics, part of Exact Sciences
Classification: Likely benign for LRP2-related condition. Last evaluated: 2024-12-20. Review status: criteria provided, single submitter. Criteria: ACMG Guidelines, 2015. Collection method: clinical testing. Allele origin: germline.
Comment: This variant is classified as likely benign based on ACMG/AMP sequence variant interpretation guidelines (Richards et al. 2015 PMID: 25741868, with internal and published modifications).

Blueprint Genetics
Classification: Likely benign. Last evaluated: 2024-10-30. Review status: criteria provided, single submitter. Criteria: ACMG Guidelines, 2015. Collection method: clinical testing. Allele origin: germline.

Illumina Laboratory Services, Illumina
Classification: Likely benign for Donnai-Barrow syndrome. Last evaluated: 2017-04-27. Review status: criteria provided, single submitter. Criteria: ICSL Variant Classification Criteria 13 December 2019. Collection method: clinical testing. Allele origin: germline.
Comment: This variant was observed as part of a predisposition screen in an ostensibly healthy population. A literature search was performed for the gene, cDNA change, and amino acid change (where applicable). Publications were found based on this search. The evidence from the literature, in combination with allele frequency data from public databases where available, was sufficient to determine this variant is unlikely to cause disease. Therefore, this variant is classified as likely benign.

Literature cited by the submitters: PubMed 24876117 (cited by Illumina Laboratory Services, Illumina).

NM_004525.3(LRP2):c.9617G>A (p.Arg3206His)

Gene: LRP2 (LDL receptor related protein 2; minus strand). Cytogenetic location: 2q31.1.
Variant type: single nucleotide variant.
Coding change: c.9617G>A on transcript NM_004525.3 (MANE Select); coding-DNA position 9617, G replaced by A.
Protein change: p.Arg3206His; replaces arginine 3206 with histidine.
Molecular consequence: missense variant.
Genome position (GRCh38, 1-based): chr2:169,185,731, C>T on the plus strand (G>A on the coding strand, the complement: LRP2 is on the minus strand). VCF-style: chr2-169185731-C-T. GRCh37 (hg19) VCF-style: chr2-170042241-C-T.
Other names: short protein forms R3206H.
Identifiers: ClinVar variation 724693 (VCV000724693.16), dbSNP rs148251117, ClinGen allele CA1953538.